The following is an entry in ClinVar:

ClinVar aggregate classification (germline): Uncertain significance (1 of 4 stars; one submission).

Conditions:
Neurofibromatosis, type 1 (NF1). Also called: VON RECKLINGHAUSEN DISEASE; Neurofibromatosis, type I; NEUROFIBROMATOSIS, TYPE I, SOMATIC; Peripheral type neurofibromatosis. Identifiers: Orphanet 636, MedGen C0027831, MONDO:0018975, OMIM 162200. Disease mechanism: loss of function.

Allele frequency attached by ClinVar (database versions not stated): gnomAD exomes below 0.00001.
gnomAD v4.1: 1 of 1,613,484 alleles (0.000062%); highest among the groups gnomAD compares: Non-Finnish European, 0.000085%; no homozygotes.

Submission:

Labcorp Genetics (formerly Invitae), Labcorp
Classification: Uncertain significance for Neurofibromatosis, type 1. Last evaluated: 2023-08-05. Review status: criteria provided, single submitter. Criteria: Invitae Variant Classification Sherloc (09022015). Collection method: clinical testing. Allele origin: germline.
Comment: In summary, the available evidence is currently insufficient to determine the role of this variant in disease. Therefore, it has been classified as a Variant of Uncertain Significance. Advanced modeling of protein sequence and biophysical properties (such as structural, functional, and spatial information, amino acid conservation, physicochemical variation, residue mobility, and thermodynamic stability) performed at Invitae indicates that this missense variant is expected to disrupt NF1 protein function. This variant has not been reported in the literature in individuals affected with NF1-related conditions. This variant is not present in population databases (gnomAD no frequency). This sequence change replaces valine, which is neutral and non-polar, with isoleucine, which is neutral and non-polar, at codon 1372 of the NF1 protein (p.Val1372Ile).

NM_001042492.3(NF1):c.4177G>A (p.Val1393Ile)

Gene: NF1 (neurofibromin 1; plus strand). Cytogenetic location: 17q11.2.
Variant type: single nucleotide variant.
Coding change: c.4177G>A on transcript NM_001042492.3 (MANE Select); coding-DNA position 4177, G replaced by A.
Protein change: p.Val1393Ile; replaces valine 1393 with isoleucine.
Molecular consequence: missense variant.
Genome position (GRCh38, 1-based): chr17:31,258,347, G>A. VCF-style: chr17-31258347-G-A. GRCh37 (hg19) VCF-style: chr17-29585365-G-A.
Other names: c.4114G>A, p.Val1372Ile (NM_000267.4); short protein forms V1372I, V1393I.
Identifiers: ClinVar variation 2801527 (VCV002801527.3), dbSNP rs2151461753, ClinGen allele CA398997500.
Genomic context (GRCh38, chr17:31,258,347, plus strand): 5'-TTCATGTCTTTATATTAATTCAAACCTTATACTCAATTCTCAACTCCTTGTTTTTAGGTG[G>A]TTAGCCAGCGTTTCCCTCAGAACAGCATCGGTGCAGTAGGAAGTGCCATGTTCCTCAGAT-3'
Protein context (NP_001035957.1, residues 1383-1403): KEKKENKKSV[Val1393Ile]SQRFPQNSIG